The following is an entry in ClinVar:

ClinVar aggregate classification (germline): Pathogenic/Likely pathogenic. Review status: criteria provided, multiple submitters, no conflicts (2 of 4 stars). 2 submissions from 2 submitters: Pathogenic (1); Likely pathogenic (1). Last evaluated 2025-08-05.

Conditions:
Inborn genetic diseases. Identifiers: MedGen C0950123, MeSH D030342.
Neurodevelopmental disorder with or without anomalies of the brain, eye, or heart (NEDBEH). Identifiers: Orphanet 494344, MedGen C5567477, MONDO:0014857, OMIM 616975.

Submissions (2):

Daryl Scott Lab, Baylor College of Medicine
Classification: Likely pathogenic for Neurodevelopmental disorder with or without anomalies of the brain, eye, or heart. Last evaluated: 2025-08-05. Review status: criteria provided, single submitter. Criteria: ACMG Guidelines, 2015. Collection method: clinical testing. Allele origin: maternal. Affected: yes. Observed: 2 heterozygotes.
Comment: PVS1_supporting, PS2, PM2

Ambry Genetics
Classification: Pathogenic for Inborn genetic diseases. Last evaluated: 2024-03-29. Review status: criteria provided, single submitter. Criteria: Ambry Variant Classification Scheme 2023. Collection method: clinical testing. Allele origin: germline.
Comment: The c.705_708delTTAC (p.Y236Mfs*34) alteration, located in exon 7 (coding exon 5) of the RERE gene, consists of a deletion of 4 nucleotides from position 705 to 708, causing a translational frameshift with a predicted alternate stop codon after 34 amino acids. This alteration is expected to result in loss of function by premature protein truncation or nonsense-mediated mRNA decay. This variant was not reported in population-based cohorts in the Genome Aggregation Database (gnomAD). Based on the available evidence, this alteration is classified as pathogenic.

NM_001042681.2(RERE):c.705_708del (p.Tyr236fs)

Gene: RERE (arginine-glutamic acid dipeptide repeats; minus strand). Cytogenetic location: 1p36.23.
Variant type: Deletion.
Coding change: c.705_708del on transcript NM_001042681.2 (MANE Select); coding-DNA positions 705 to 708, 4 bases deleted (TTAC; older notation c.705_708delTTAC).
Protein change: p.Tyr236fs; shifts the reading frame from tyrosine 236.
Molecular consequence: frameshift variant.
Genome position (GRCh38, 1-based): chr1:8,556,492-8,556,495, GTAA deleted on the plus strand (TTAC on the coding strand, the reverse complement: RERE is on the minus strand); deleting any 4 consecutive bases within chr1:8,556,492-8,556,497 gives the same sequence; the c. name uses the placement nearest the transcript's 3' end. VCF-style (leftmost placement, unchanged base first): chr1-8556491-GGTAA-G. GRCh37 (hg19) VCF-style: chr1-8616550-GGTAA-G.
Other names: c.705_708del, p.Tyr236fs (NM_012102.4); short protein forms Y236fs.
Identifiers: ClinVar variation 3313641 (VCV003313641.2).